The following is an entry in ClinVar:

NM_001005242.3(PKP2):c.1609G>A (p.Gly537Arg)

Gene: PKP2 (plakophilin 2; minus strand). Cytogenetic location: 12p11.21.
Variant type: single nucleotide variant.
Coding change: c.1609G>A on transcript NM_001005242.3 (MANE Select); coding-DNA position 1609, G replaced by A.
Protein change: p.Gly537Arg; replaces glycine 537 with arginine.
Molecular consequence: missense variant.
Genome position (GRCh38, 1-based): chr12:32,824,110, C>T on the plus strand (G>A on the coding strand, the complement: PKP2 is on the minus strand). VCF-style: chr12-32824110-C-T. GRCh37 (hg19) VCF-style: chr12-32977044-C-T.
Other names: c.1609G>A, p.Gly537Arg (NM_001407155.1, NM_001407156.1, NM_001407161.1); c.1741G>A, p.Gly581Arg (NM_001407157.1, NM_004572.4); c.1282G>A, p.Gly428Arg (NM_001407158.1, NM_001407159.1, NM_001407160.1 and 1 more transcripts); short protein forms G428R, G581R, G537R.
Identifiers: ClinVar variation 1779205 (VCV001779205.6), dbSNP rs771041316, ClinGen allele CA235239709.

ClinVar aggregate classification (germline): Uncertain significance. Review status: criteria provided, multiple submitters, no conflicts (2 of 4 stars). 3 submissions from 3 submitters: Uncertain significance (3). Last evaluated 2025-12-14.

Conditions:
Cardiovascular phenotype. Identifiers: MedGen CN230736.
Cardiomyopathy (CMYO). Also called: Cardiomyopathies. Identifiers: Orphanet 167848, MedGen C0878544, MONDO:0004994, HP:0001638. Inheritance: Various modes of inheritance.
Arrhythmogenic right ventricular dysplasia 9 (ARVD9). Also called: Arrhythmogenic Right Ventricular Dysplasia/Cardiomyopathy 9; ARRHYTHMOGENIC RIGHT VENTRICULAR DYSPLASIA, FAMILIAL, 9. Identifiers: MedGen C1836906, MONDO:0012180, OMIM 609040.

Allele frequency attached by ClinVar (database versions not stated): TOPMed 0.00002; gnomAD 0.00001.
gnomAD v4.1: 16 of 1,613,242 alleles (0.00099%); highest among the groups gnomAD compares: Admixed American, 0.0017%; no homozygotes.

Submissions (3):

Labcorp Genetics (formerly Invitae), Labcorp
Classification: Uncertain significance for Arrhythmogenic right ventricular dysplasia 9. Last evaluated: 2025-12-14. Review status: criteria provided, single submitter. Criteria: Invitae Variant Classification Sherloc (09022015). Collection method: clinical testing. Allele origin: germline.
Comment: This sequence change replaces glycine, which is neutral and non-polar, with arginine, which is basic and polar, at codon 581 of the PKP2 protein (p.Gly581Arg). This variant is present in population databases (rs771041316, gnomAD 0.003%). This variant has not been reported in the literature in individuals affected with PKP2-related conditions. ClinVar contains an entry for this variant (Variation ID: 1779205). An algorithm developed to predict the effect of missense changes on protein structure and function (PolyPhen-2) suggests that this variant is likely to be disruptive. In summary, the available evidence is currently insufficient to determine the role of this variant in disease. Therefore, it has been classified as a Variant of Uncertain Significance.

Color Diagnostics, LLC DBA Color Health
Classification: Uncertain significance for Cardiomyopathy. Last evaluated: 2025-09-03. Review status: criteria provided, single submitter. Criteria: ACMG Guidelines, 2015. Collection method: clinical testing. Allele origin: germline.
Comment: This missense variant replaces glycine with arginine at codon 581 of the PKP2 protein. Computational prediction suggests that this variant may have deleterious impact on protein structure and function. To our knowledge, functional studies have not been reported for this variant. This variant has not been reported in individuals affected with PKP2-related disorders in the literature. This variant has been identified in 2/251184 chromosomes in the general population by the Genome Aggregation Database (gnomAD). The available evidence is insufficient to determine the role of this variant in disease conclusively. Therefore, this variant is classified as a Variant of Uncertain Significance.

Ambry Genetics
Classification: Uncertain significance for Cardiovascular phenotype. Last evaluated: 2019-12-13. Review status: criteria provided, single submitter. Criteria: Ambry Variant Classification Scheme 2023. Collection method: clinical testing. Allele origin: germline.
Comment: The p.G581R variant (also known as c.1741G>A), located in coding exon 8 of the PKP2 gene, results from a G to A substitution at nucleotide position 1741. The glycine at codon 581 is replaced by arginine, an amino acid with dissimilar properties. This amino acid position is well conserved in available vertebrate species. In addition, the in silico prediction for this alteration is inconclusive. Since supporting evidence is limited at this time, the clinical significance of this alteration remains unclear.